The following is an entry in ClinVar:

ClinVar aggregate classification (germline): Likely benign (1 of 4 stars; one submission).

Allele frequency attached by ClinVar (database versions not stated): gnomAD exomes below 0.00001.
gnomAD v4.1: 1 of 1,602,604 alleles (0.000062%); highest among the groups gnomAD compares: Non-Finnish European, 0.000085%; no homozygotes.

Submission:

CeGaT Center for Human Genetics Tuebingen
Classification: Likely benign. Last evaluated: 2022-03-01. Review status: criteria provided, single submitter. Criteria: CeGaT Center For Human Genetics Tuebingen Variant Classification Criteria Version 2. Collection method: clinical testing. Allele origin: germline. Affected: yes. Observed: 1 variant allele.
Comment: MYLK: BP4, BP7

NM_053025.4(MYLK):c.885G>A (p.Lys295=)

Gene: MYLK (myosin light chain kinase; minus strand). Cytogenetic location: 3q21.1.
Variant type: single nucleotide variant.
Coding change: c.885G>A on transcript NM_053025.4 (MANE Select); coding-DNA position 885, G replaced by A.
Protein change: p.Lys295=; no amino-acid change (lysine 295 retained).
Molecular consequence: synonymous variant.
Genome position (GRCh38, 1-based): chr3:123,734,111, C>T on the plus strand (G>A on the coding strand, the complement: MYLK is on the minus strand). VCF-style: chr3-123734111-C-T. GRCh37 (hg19) VCF-style: chr3-123452958-C-T.
Other names: c.357G>A, p.Lys119= (NM_001321309.2); c.885G>A, p.Lys295= (NM_053026.4, NM_053027.4, NM_053028.4).
Identifiers: ClinVar variation 1675934 (VCV001675934.33), dbSNP rs1230223829, ClinGen allele CA435432542.